The following is an entry in ClinVar:

ClinVar aggregate classification (germline): Uncertain significance. Review status: criteria provided, multiple submitters, no conflicts (2 of 4 stars). 2 submissions from 2 submitters: Uncertain significance (2). Last evaluated 2024-12-02.

Conditions:
Baller-Gerold syndrome (BGS). Also called: CRANIOSYNOSTOSIS WITH RADIAL DEFECTS. Identifiers: Orphanet 1225, MedGen C0265308, MONDO:0009039, OMIM 218600.
Inborn genetic diseases. Identifiers: MedGen C0950123, MeSH D030342.

Allele frequency attached by ClinVar (database versions not stated): TOPMed 0.00001.
gnomAD v4.1: 6 of 1,585,608 alleles (0.00038%); highest among the groups gnomAD compares: South Asian, 0.0034%; no homozygotes.

Submissions (2):

Ambry Genetics
Classification: Uncertain significance for Inborn genetic diseases. Last evaluated: 2024-12-02. Review status: criteria provided, single submitter. Criteria: Ambry Variant Classification Scheme 2023. Collection method: clinical testing. Allele origin: germline.
Comment: The p.V896I variant (also known as c.2686G>A), located in coding exon 15 of the RECQL4 gene, results from a G to A substitution at nucleotide position 2686. The valine at codon 896 is replaced by isoleucine, an amino acid with highly similar properties. This amino acid position is conserved. Based on the available evidence, the clinical significance of this variant remains unclear.

Labcorp Genetics (formerly Invitae), Labcorp
Classification: Uncertain significance for Baller-Gerold syndrome. Last evaluated: 2022-09-01. Review status: criteria provided, single submitter. Criteria: Invitae Variant Classification Sherloc (09022015). Collection method: clinical testing. Allele origin: germline.
Comment: In summary, the available evidence is currently insufficient to determine the role of this variant in disease. Therefore, it has been classified as a Variant of Uncertain Significance. ClinVar contains an entry for this variant (Variation ID: 844818). This variant has not been reported in the literature in individuals affected with RECQL4-related conditions. This variant is present in population databases (no rsID available, gnomAD 0.007%). This sequence change replaces valine, which is neutral and non-polar, with isoleucine, which is neutral and non-polar, at codon 896 of the RECQL4 protein (p.Val896Ile).

NM_004260.4(RECQL4):c.2686G>A (p.Val896Ile)

Gene: RECQL4 (RecQ like helicase 4; minus strand). Cytogenetic location: 8q24.3.
Variant type: single nucleotide variant.
Coding change: c.2686G>A on transcript NM_004260.4 (MANE Select); coding-DNA position 2686, G replaced by A.
Protein change: p.Val896Ile; replaces valine 896 with isoleucine.
Molecular consequence: missense variant.
Genome position (GRCh38, 1-based): chr8:144,512,916, C>T on the plus strand (G>A on the coding strand, the complement: RECQL4 is on the minus strand). VCF-style: chr8-144512916-C-T. GRCh37 (hg19) VCF-style: chr8-145738299-C-T.
Other names: short protein forms V896I.
Identifiers: ClinVar variation 844818 (VCV000844818.7), dbSNP rs762644049, ClinGen allele CA372675275.